The following is an entry in ClinVar:

NM_001347721.2(DYRK1A):c.1008G>A (p.Trp336Ter)

Gene: DYRK1A (dual specificity tyrosine phosphorylation regulated kinase 1A; plus strand). Cytogenetic location: 21q22.13.
Variant type: single nucleotide variant.
Coding change: c.1008G>A on transcript NM_001347721.2 (MANE Select); coding-DNA position 1008, G replaced by A.
Protein change: p.Trp336Ter; replaces tryptophan 336 with a stop codon.
Molecular consequence: nonsense.
Genome position (GRCh38, 1-based): chr21:37,493,100, G>A. VCF-style: chr21-37493100-G-A. GRCh37 (hg19) VCF-style: chr21-38865402-G-A.
Other names: c.1008G>A, p.Trp336Ter (NM_001347722.2, NM_130436.2); c.921G>A, p.Trp307Ter (NM_001347723.2); c.1035G>A, p.Trp345Ter (NM_001396.5, NM_101395.2, NM_130438.2); short protein forms W345*, W336*, W307*.
Identifiers: ClinVar variation 522162 (VCV000522162.5), dbSNP rs1555985642, ClinGen allele CA409936547.

ClinVar aggregate classification (germline): Pathogenic. Review status: criteria provided, multiple submitters, no conflicts (2 of 4 stars). 2 submissions from 2 submitters: Pathogenic (2). Last evaluated 2022-05-25.

Conditions:
Complex neurodevelopmental disorder. Identifiers: Orphanet 528084, MedGen C5568766, MONDO:0100038.
Inborn genetic diseases. Identifiers: MedGen C0950123, MeSH D030342.

Submissions (2):

GeneDx
Classification: Pathogenic. Last evaluated: 2022-05-25. Review status: criteria provided, single submitter. Criteria: GeneDx Variant Classification Process June 2021. Collection method: clinical testing. Allele origin: germline. Affected: yes.
Comment: Nonsense variant predicted to result in protein truncation or nonsense mediated decay in a gene for which loss of function is a known mechanism of disease; Not observed at significant frequency in large population cohorts (gnomAD); This variant is associated with the following publications: (PMID: 35285131, 33562844)

Ambry Genetics
Classification: Pathogenic for Inborn genetic diseases. Last evaluated: 2017-10-20. Review status: criteria provided, single submitter. Criteria: Ambry exome assertion method (8-5-2015). Collection method: clinical testing. Allele origin: germline. Affected: yes. Observed: 1 variant allele.